The following is an entry in ClinVar:

NM_133497.4(KCNV2):c.951C>G (p.Tyr317Ter)

Gene: KCNV2 (potassium voltage-gated channel modifier subfamily V member 2; plus strand). Cytogenetic location: 9p24.2.
Variant type: single nucleotide variant.
Coding change: c.951C>G on transcript NM_133497.4 (MANE Select); coding-DNA position 951, C replaced by G.
Protein change: p.Tyr317Ter; replaces tyrosine 317 with a stop codon.
Molecular consequence: nonsense.
Genome position (GRCh38, 1-based): chr9:2,718,690, C>G. VCF-style: chr9-2718690-C-G. GRCh37 (hg19) VCF-style: chr9-2718690-C-G.
Other names: short protein forms Y317*.
Identifiers: ClinVar variation 1425692 (VCV001425692.7), dbSNP rs1432037634, ClinGen allele CA372800277.

ClinVar aggregate classification (germline): Pathogenic/Likely pathogenic. Review status: criteria provided, multiple submitters, no conflicts (2 of 4 stars). 2 submissions from 2 submitters: Pathogenic (1); Likely pathogenic (1). Last evaluated 2022-10-13.

Conditions:
KCNV2-related disorder. Also called: KCNV2-related condition.

Submissions (2):

Labcorp Genetics (formerly Invitae), Labcorp
Classification: Pathogenic. Last evaluated: 2022-10-13. Review status: criteria provided, single submitter. Criteria: Invitae Variant Classification Sherloc (09022015). Collection method: clinical testing. Allele origin: germline.
Comment: For these reasons, this variant has been classified as Pathogenic. ClinVar contains an entry for this variant (Variation ID: 1425692). This variant has not been reported in the literature in individuals affected with KCNV2-related conditions. This variant is present in population databases (no rsID available, gnomAD 0.0009%). This sequence change creates a premature translational stop signal (p.Tyr317*) in the KCNV2 gene. It is expected to result in an absent or disrupted protein product. Loss-of-function variants in KCNV2 are known to be pathogenic (PMID: 16909397, 18235024).

Blueprint Genetics
Classification: Likely pathogenic for KCNV2-related disorders. Last evaluated: 2022-06-08. Review status: criteria provided, single submitter. Criteria: ACMG Guidelines, 2015. Collection method: clinical testing. Allele origin: germline. Affected: yes. Observed: 1 variant allele.

Literature cited by the submitters: PubMed 16909397 (cited by Labcorp Genetics (formerly Invitae), Labcorp); PubMed 18235024 (cited by Labcorp Genetics (formerly Invitae), Labcorp).